The following is an entry in ClinVar:

ClinVar aggregate classification (germline): Benign. Review status: criteria provided, multiple submitters, no conflicts (2 of 4 stars). 3 submissions from 2 submitters: Benign (2). 1 of the submissions does not count toward it. Last evaluated 2026-02-04.

Submissions (3):

Labcorp Genetics (formerly Invitae), Labcorp
Classification: Benign. Last evaluated: 2026-02-04. Review status: criteria provided, single submitter. Criteria: Invitae Variant Classification Sherloc (09022015). Collection method: clinical testing. Allele origin: germline.

GeneDx
Classification: Benign. Last evaluated: 2021-05-12. Review status: criteria provided, single submitter. Criteria: GeneDx Variant Classification Process June 2021. Collection method: clinical testing. Allele origin: germline. Affected: yes.

GeneDx
Classification: Benign. Last evaluated: 2017-04-12. Review status: flagged submission. Criteria: GeneDx Variant Classification (06012015). Collection method: clinical testing. Allele origin: germline. Affected: yes. Not counted in ClinVar's aggregate classification.
Comment: This variant is considered likely benign or benign based on one or more of the following criteria: it is a conservative change, it occurs at a poorly conserved position in the protein, it is predicted to be benign by multiple in silico algorithms, and/or has population frequency not consistent with disease.
ClinVar note: Reason: This record appears to be redundant with a more recent record from the same submitter.
ClinVar note: Notes: SCV000718301 appears to be redundant with SCV001857939.

NM_018060.4(IARS2):c.1328-5del

Gene: IARS2 (isoleucyl-tRNA synthetase 2, mitochondrial; plus strand). Cytogenetic location: 1q41.
Variant type: Deletion.
Coding change: c.1328-5del on transcript NM_018060.4 (MANE Select); 5 bases into the intron before coding-DNA position 1328, one base deleted (T; older notation c.1328-5delT).
Molecular consequence: intron variant.
Genome position (GRCh38, 1-based): chr1:220,110,781, T deleted; the last of 11 consecutive T bases (chr1:220,110,771-220,110,781); deleting any one gives the same sequence. VCF-style (leftmost placement, unchanged base first): chr1-220110770-GT-G. GRCh37 (hg19) VCF-style: chr1-220284112-GT-G.
Other names: c.1328-15delT (NM_018060.3).
Identifiers: ClinVar variation 508825 (VCV000508825.11), dbSNP rs199649609, ClinGen allele CA1401400.
Genomic context (GRCh38, chr1:220,110,770, plus strand): 5'-CTGGAAGTTTAGAGCATTTTTAGGATTTTCACAGTACTTTTTAATTATGTCTAATTTGGT[GT>G]TTTTTTTTTTAAAGTTATAAAGATGCTTCAGACTGCAAAGAATTTGTTGAAAGAGGAGAA-3'